The following is an entry in ClinVar:

NM_000138.5(FBN1):c.6041T>C (p.Ile2014Thr)

Gene: FBN1 (fibrillin 1; minus strand). Cytogenetic location: 15q21.1.
Variant type: single nucleotide variant.
Coding change: c.6041T>C on transcript NM_000138.5 (MANE Select); coding-DNA position 6041, T replaced by C.
Protein change: p.Ile2014Thr; replaces isoleucine 2014 with threonine.
Molecular consequence: missense variant.
Genome position (GRCh38, 1-based): chr15:48,441,843, A>G on the plus strand (T>C on the coding strand, the complement: FBN1 is on the minus strand). VCF-style: chr15-48441843-A-G. GRCh37 (hg19) VCF-style: chr15-48734040-A-G.
Other names: short protein forms I2014T.
Identifiers: ClinVar variation 1332122 (VCV001332122.4), dbSNP rs776507208, ClinGen allele CA056154.

ClinVar aggregate classification (germline): Uncertain significance. Review status: criteria provided, multiple submitters, no conflicts (2 of 4 stars). 2 submissions from 2 submitters: Uncertain significance (2). Last evaluated 2024-02-22.

Conditions:
Familial thoracic aortic aneurysm and aortic dissection (TAAD). Also called: Thoracic aortic aneurysms and dissections. Identifiers: Orphanet 91387, MedGen C4707243, MONDO:0019625.
Marfan syndrome (MFS). Also called: Marfan syndrome type 1; Marfan's syndrome; FBN1-Related Marfan Syndrome; MARFAN SYNDROME, TYPE I; Marfan syndrome, classic. Identifiers: Orphanet 284963, Orphanet 558, MedGen C0024796, MONDO:0007947, OMIM 154700.

Allele frequency attached by ClinVar (database versions not stated): gnomAD exomes below 0.00001 and 0.00001; TOPMed below 0.00001; ExAC 0.00002.
gnomAD v4.1: 2 of 1,613,314 alleles (0.00012%); highest among the groups gnomAD compares: Non-Finnish European, 0.00017%; no homozygotes.

Submissions (2):

All of Us Research Program, National Institutes of Health
Classification: Uncertain significance for Marfan syndrome. Last evaluated: 2024-02-22. Review status: criteria provided, single submitter. Criteria: ACMG Guidelines, 2015. Collection method: clinical testing. Allele origin: germline. Inheritance: Autosomal dominant inheritance. Observed: 1 variant allele, 1 heterozygote.
Comment: This missense variant replaces isoleucine with threonine at codon 2014 of the FBN1 protein. Computational prediction suggests that this variant may have deleterious impact on protein structure and function (internally defined REVEL score threshold >= 0.7, PMID: 27666373). To our knowledge, functional studies have not been reported for this variant. This variant has not been reported in individuals affected with cardiovascular disorders in the literature. This variant has been identified in 2/250266 chromosomes in the general population by the Genome Aggregation Database (gnomAD). The available evidence is insufficient to determine the role of this variant in disease conclusively. Therefore, this variant is classified as a Variant of Uncertain Significance.

This study involves interpretation of variants in research participants for the purpose of population health screening. Participant phenotype was not available at the time of variant classification. Additional details can be found in publication PMID: 35346344, PMCID: PMC8962531

Color Diagnostics, LLC DBA Color Health
Classification: Uncertain significance for Familial thoracic aortic aneurysm and aortic dissection. Last evaluated: 2024-02-09. Review status: criteria provided, single submitter. Criteria: ACMG Guidelines, 2015. Collection method: clinical testing. Allele origin: germline.
Comment: This missense variant replaces isoleucine with threonine at codon 2014 of the FBN1 protein.Computational prediction tools indicate that this variant has a deleterious impact on protein structure and function. To our knowledge, functional studies have not been reported for this variant. This variant has not been reported in individuals affected with FBN1-related disorders in the literature. This variant has been identified in 2/250266 chromosomes in the general population by the Genome Aggregation Database (gnomAD). The available evidence is insufficient to determine the role of this variant in disease conclusively. Therefore, this variant is classified as a Variant of Uncertain Significance.